The following is an entry in ClinVar:

ClinVar aggregate classification (germline): Uncertain significance (1 of 4 stars; one submission).

Conditions:
Baller-Gerold syndrome (BGS). Also called: CRANIOSYNOSTOSIS WITH RADIAL DEFECTS. Identifiers: Orphanet 1225, MedGen C0265308, MONDO:0009039, OMIM 218600.

Submission:

Labcorp Genetics (formerly Invitae), Labcorp
Classification: Uncertain significance for Baller-Gerold syndrome. Last evaluated: 2022-11-03. Review status: criteria provided, single submitter. Criteria: Invitae Variant Classification Sherloc (09022015). Collection method: clinical testing. Allele origin: germline.
Comment: Advanced modeling of protein sequence and biophysical properties (such as structural, functional, and spatial information, amino acid conservation, physicochemical variation, residue mobility, and thermodynamic stability) performed at Invitae indicates that this missense variant is not expected to disrupt RECQL4 protein function. This variant has not been reported in the literature in individuals affected with RECQL4-related conditions. This variant is not present in population databases (gnomAD no frequency). This sequence change replaces cysteine, which is neutral and slightly polar, with glycine, which is neutral and non-polar, at codon 311 of the RECQL4 protein (p.Cys311Gly). In summary, the available evidence is currently insufficient to determine the role of this variant in disease. Therefore, it has been classified as a Variant of Uncertain Significance.

NM_004260.4(RECQL4):c.931T>G (p.Cys311Gly)

Gene: RECQL4 (RecQ like helicase 4; minus strand). Cytogenetic location: 8q24.3.
Variant type: single nucleotide variant.
Coding change: c.931T>G on transcript NM_004260.4 (MANE Select); coding-DNA position 931, T replaced by G.
Protein change: p.Cys311Gly; replaces cysteine 311 with glycine.
Molecular consequence: missense variant. On other transcripts: 5 prime UTR variant (17), non-coding transcript variant (3).
Genome position (GRCh38, 1-based): chr8:144,516,188, A>C on the plus strand (T>G on the coding strand, the complement: RECQL4 is on the minus strand). VCF-style: chr8-144516188-A-C. GRCh37 (hg19) VCF-style: chr8-145741572-A-C.
Other names: c.931T>G, p.Cys311Gly (NM_001413017.1, NM_001413018.1, NM_001413019.1 and 4 more transcripts); c.-141T>G (NM_001413021.1, NM_001413022.1, NM_001413023.1 and 7 more transcripts); c.802T>G, p.Cys268Gly (NM_001413025.1); c.-203T>G (NM_001413027.1, NM_001413030.1, NM_001413031.1 and 2 more transcripts); c.580T>G, p.Cys194Gly (NM_001413029.1); c.-45T>G (NM_001413034.1); c.-410T>G (NM_001413043.1); short protein forms C194G, C311G, C268G.
Identifiers: ClinVar variation 2811877 (VCV002811877.3), dbSNP rs2538085553, ClinGen allele CA372688638.